The following is an entry in ClinVar:

NM_001161352.2(KCNMA1):c.4G>C (p.Ala2Pro)

Gene: KCNMA1 (potassium calcium-activated channel subfamily M alpha 1; minus strand). Cytogenetic location: 10q22.3.
Variant type: single nucleotide variant.
Coding change: c.4G>C on transcript NM_001161352.2 (MANE Select); coding-DNA position 4, G replaced by C.
Protein change: p.Ala2Pro; replaces alanine 2 with proline.
Molecular consequence: missense variant.
Genome position (GRCh38, 1-based): chr10:77,637,639, C>G on the plus strand (G>C on the coding strand, the complement: KCNMA1 is on the minus strand). VCF-style: chr10-77637639-C-G. GRCh37 (hg19) VCF-style: chr10-79397397-C-G.
Other names: c.4G>C, p.Ala2Pro (NM_001014797.3, NM_001161353.2, NM_001271518.2 and 13 more transcripts); short protein forms A2P.
Identifiers: ClinVar variation 2635196 (VCV002635196.2), dbSNP rs1344908173, ClinGen allele CA377412962.

ClinVar aggregate classification (germline): Uncertain significance (1 of 4 stars; one submission).

Conditions:
KCNMA1-related disorder. Also called: KCNMA1-related disorders; KCNMA1-related condition.

Submission:

PreventionGenetics, part of Exact Sciences
Classification: Uncertain significance for KCNMA1-related condition. Last evaluated: 2025-02-12. Review status: criteria provided, single submitter. Criteria: ACMG Guidelines, 2015. Collection method: clinical testing. Allele origin: germline.
Comment: The KCNMA1 c.4G>C variant is predicted to result in the amino acid substitution p.Ala2Pro. To our knowledge, this variant has not been reported in the literature or in a large population database (gnomad), indicating this variant is rare. At this time, the clinical significance of this variant is uncertain due to the absence of conclusive functional and genetic evidence.